The following is an entry in ClinVar:

NM_001104631.2(PDE4D):c.*1637C>T

Gene: PDE4D (phosphodiesterase 4D; minus strand). Cytogenetic location: 5q11.2.
Variant type: single nucleotide variant.
Coding change: c.*1637C>T on transcript NM_001104631.2 (MANE Select); 1637 bases downstream of the stop codon, C replaced by T.
Molecular consequence: 3 prime UTR variant.
Genome position (GRCh38, 1-based): chr5:58,973,027, G>A on the plus strand (C>T on the coding strand, the complement: PDE4D is on the minus strand). VCF-style: chr5-58973027-G-A. GRCh37 (hg19) VCF-style: chr5-58268854-G-A.
Other names: c.*1637C>T (NM_001165899.2, NM_001197218.2, NM_001197219.2 and 11 more transcripts).
Identifiers: ClinVar variation 904971 (VCV000904971.4), dbSNP rs190993206, ClinGen allele CA118782353.

ClinVar aggregate classification (germline): Benign (1 of 4 stars; one submission).

Conditions:
Acrodysostosis 2 with or without hormone resistance. Also called: ACRODYSOSTOSIS 2 WITH HORMONE RESISTANCE; ACRODYSOSTOSIS 2 WITHOUT HORMONE RESISTANCE. Identifiers: Orphanet 280651, MedGen C3553250, MONDO:0013822, OMIM 614613.

Allele frequency attached by ClinVar (database versions not stated): 1000 Genomes Project 30x 0.00078; 1000 Genomes Project 0.00080; gnomAD 0.00117 and 0.00125; TOPMed 0.00120.

Submission:

Illumina Laboratory Services, Illumina
Classification: Benign for Acrodysostosis 2 with or without hormone resistance. Last evaluated: 2018-01-12. Review status: criteria provided, single submitter. Criteria: ICSL Variant Classification Criteria 13 December 2019. Collection method: clinical testing. Allele origin: germline.
Comment: This variant was observed in the ICSL laboratory as part of a predisposition screen in an ostensibly healthy population. It had not been previously curated by ICSL or reported in the Human Gene Mutation Database (HGMD: prior to June 1st, 2018), and was therefore a candidate for classification through an automated scoring system. Utilizing variant allele frequency, disease prevalence and penetrance estimates, and inheritance mode, an automated score was calculated to assess if this variant is too frequent to cause the disease. Based on the score and internal cut-off values, a variant classified as benign is not then subjected to further curation. The score for this variant resulted in a classification of benign for this disease.